The following is an entry in ClinVar:

NM_000441.2(SLC26A4):c.2177_2187del (p.Ile726fs)

Genes: SLC26A4 (solute carrier family 26 member 4; plus strand), LOC123956210 (Sharpr-MPRA regulatory region 3291; plus strand). Cytogenetic location: 7q22.3.
Variant type: Deletion.
Coding change: c.2177_2187del on transcript NM_000441.2 (MANE Select); coding-DNA positions 2177 to 2187, 11 bases deleted (TACTCTATCTA).
Protein change: p.Ile726fs; shifts the reading frame from isoleucine 726.
Molecular consequence: frameshift variant.
Genome position (GRCh38, 1-based): chr7:107,710,141-107,710,151, TACTCTATCTA deleted; deleting any 11 consecutive bases within chr7:107,710,138-107,710,151 gives the same sequence; the c. name uses the placement nearest the transcript's 3' end. VCF-style (leftmost placement, unchanged base first): chr7-107710137-GCTATACTCTAT-G. GRCh37 (hg19) VCF-style: chr7-107350582-GCTATACTCTAT-G.
Other names: short protein forms I726fs.
Identifiers: ClinVar variation 1071659 (VCV001071659.7), dbSNP rs2129319928, ClinGen allele CA2499218645.

ClinVar aggregate classification (germline): Pathogenic (1 of 4 stars; one submission).

Submission:

Labcorp Genetics (formerly Invitae), Labcorp
Classification: Pathogenic. Last evaluated: 2020-08-27. Review status: criteria provided, single submitter. Criteria: Invitae Variant Classification Sherloc (09022015). Collection method: clinical testing. Allele origin: germline.
Comment: This sequence change creates a premature translational stop signal (p.Ile726Thrfs*24) in the SLC26A4 gene. It is expected to result in an absent or disrupted protein product. This variant is not present in population databases (ExAC no frequency). This variant has not been reported in the literature in individuals with SLC26A4-related conditions. Loss-of-function variants in SLC26A4 are known to be pathogenic (PMID: 16283880, 25394566, 26252218, 26445815). For these reasons, this variant has been classified as Pathogenic.

Literature cited by the submitters: PubMed 16283880; PubMed 25394566; PubMed 26252218; PubMed 26445815.